The following is an entry in ClinVar:

NM_001277313.2(FMN1):c.2044-1493G>A

Gene: FMN1 (formin 1; minus strand). Cytogenetic location: 15q13.3.
Variant type: single nucleotide variant.
Coding change: c.2044-1493G>A on transcript NM_001277313.2 (MANE Select); 1493 bases into the intron before coding-DNA position 2044, G replaced by A.
Molecular consequence: intron variant. On other transcripts: missense variant (1).
Genome position (GRCh38, 1-based): chr15:33,066,567, C>T on the plus strand (G>A on the coding strand, the complement: FMN1 is on the minus strand). VCF-style: chr15-33066567-C-T. GRCh37 (hg19) VCF-style: chr15-33358768-C-T.
Other names: c.1318G>A, p.Ala440Thr (NM_001103184.4); short protein forms A440T.
Identifiers: ClinVar variation 2841877 (VCV002841877.3), dbSNP rs201555719, ClinGen allele CA7457122.

ClinVar aggregate classification (germline): Uncertain significance (1 of 4 stars; one submission).

Submission:

Labcorp Genetics (formerly Invitae), Labcorp
Classification: Uncertain significance. Last evaluated: 2023-03-01. Review status: criteria provided, single submitter. Criteria: Invitae Variant Classification Sherloc (09022015). Collection method: clinical testing. Allele origin: germline.
Comment: This sequence change replaces alanine, which is neutral and non-polar, with threonine, which is neutral and polar, at codon 440 of the FMN1 protein (p.Ala440Thr). This variant is present in population databases (rs201555719, gnomAD 0.0009%). This variant has not been reported in the literature in individuals affected with FMN1-related conditions. Experimental studies and prediction algorithms are not available or were not evaluated, and the functional significance of this variant is currently unknown. In summary, the available evidence is currently insufficient to determine the role of this variant in disease. Therefore, it has been classified as a Variant of Uncertain Significance.